The following is an entry in ClinVar:

NM_000214.3(JAG1):c.20G>A (p.Arg7His)

Gene: JAG1 (jagged canonical Notch ligand 1; minus strand). Cytogenetic location: 20p12.2.
Variant type: single nucleotide variant.
Coding change: c.20G>A on transcript NM_000214.3 (MANE Select); coding-DNA position 20, G replaced by A.
Protein change: p.Arg7His; replaces arginine 7 with histidine.
Molecular consequence: missense variant.
Genome position (GRCh38, 1-based): chr20:10,673,511, C>T on the plus strand (G>A on the coding strand, the complement: JAG1 is on the minus strand). VCF-style: chr20-10673511-C-T. GRCh37 (hg19) VCF-style: chr20-10654159-C-T.
Other names: short protein forms R7H.
Identifiers: ClinVar variation 2790551 (VCV002790551.3), dbSNP rs2514539072, ClinGen allele CA408244309.

ClinVar aggregate classification (germline): Uncertain significance (1 of 4 stars; one submission).

Conditions:
Alagille syndrome due to a JAG1 point mutation. Also called: JAG1-Related Alagille Syndrome; HEPATIC DUCTULAR HYPOPLASIA, SYNDROMATIC; Alagille Syndrome 1. Identifiers: Orphanet 261619, Orphanet 52, MedGen C1956125, MONDO:0016862, OMIM 118450.

Submission:

Labcorp Genetics (formerly Invitae), Labcorp
Classification: Uncertain significance for Alagille syndrome due to a JAG1 point mutation. Last evaluated: 2024-01-22. Review status: criteria provided, single submitter. Criteria: Invitae Variant Classification Sherloc (09022015). Collection method: clinical testing. Allele origin: germline.
Comment: This sequence change replaces arginine, which is basic and polar, with histidine, which is basic and polar, at codon 7 of the JAG1 protein (p.Arg7His). This variant is not present in population databases (gnomAD no frequency). This variant has not been reported in the literature in individuals affected with JAG1-related conditions. Advanced modeling of protein sequence and biophysical properties (such as structural, functional, and spatial information, amino acid conservation, physicochemical variation, residue mobility, and thermodynamic stability) performed at Invitae indicates that this missense variant is not expected to disrupt JAG1 protein function with a negative predictive value of 95%. In summary, the available evidence is currently insufficient to determine the role of this variant in disease. Therefore, it has been classified as a Variant of Uncertain Significance.